The following is an entry in ClinVar:

ClinVar aggregate classification (germline): Uncertain significance. Review status: reviewed by expert panel (3 of 4 stars). 2 submissions from 2 submitters: Uncertain significance (1). 1 of the submissions does not count toward it. Last evaluated 2026-05-27.

Conditions:
Hereditary thrombocytopenia and hematologic cancer predisposition syndrome. Identifiers: Orphanet 71290, MedGen CN281654, MONDO:0011071.
Inborn genetic diseases. Identifiers: MedGen C0950123, MeSH D030342.

Submissions (2):

ClinGen Myeloid Malignancy Variant Curation Expert Panel
Classification: Uncertain significance for Hereditary thrombocytopenia and hematologic cancer predisposition syndrome. Last evaluated: 2026-05-27. Review status: reviewed by expert panel. Criteria: ClinGen MyeloMalig ACMG Specifications V3.1. Collection method: curation. Allele origin: germline. Inheritance: Autosomal dominant inheritance.
Comment: NM_001754.5(RUNX1):c.1279C>T (p.Arg427Cys) is a missense variant which is completely absent from all population databases with at least 20x coverage for RUNX1 (PM2_supporting) and has a REVEL score <0.50 (0.33)(BP4). In summary, the clinical significance of this variant is uncertain. ACMG/AMP criteria applied, as specified by the Myeloid Malignancy Variant Curation Expert Panel for RUNX1: PM2_supporting, BP4.

Ambry Genetics
Classification: Uncertain significance for Inborn genetic diseases. Last evaluated: 2025-07-03. Review status: criteria provided, single submitter. Criteria: Ambry Variant Classification Scheme 2023. Collection method: clinical testing. Allele origin: germline. Not counted in ClinVar's aggregate classification.
Comment: The p.R427C variant (also known as c.1279C>T), located in coding exon 8 of the RUNX1 gene, results from a C to T substitution at nucleotide position 1279. The arginine at codon 427 is replaced by cysteine, an amino acid with highly dissimilar properties. This amino acid position is conserved. In addition, the in silico prediction for this alteration is inconclusive. Based on the available evidence, the clinical significance of this variant remains unclear.

NM_001754.5(RUNX1):c.1279C>T (p.Arg427Cys)

Gene: RUNX1 (RUNX family transcription factor 1; minus strand). Cytogenetic location: 21q22.12.
Variant type: single nucleotide variant.
Coding change: c.1279C>T on transcript NM_001754.5 (MANE Select); coding-DNA position 1279, C replaced by T.
Protein change: p.Arg427Cys; replaces arginine 427 with cysteine.
Molecular consequence: missense variant.
Genome position (GRCh38, 1-based): chr21:34,792,299, G>A on the plus strand (C>T on the coding strand, the complement: RUNX1 is on the minus strand). VCF-style: chr21-34792299-G-A. GRCh37 (hg19) VCF-style: chr21-36164596-G-A.
Other names: NM_001754.5(RUNX1):c.1279C>T; p.Arg427Cys; c.1198C>T, p.Arg400Cys (NM_001001890.3); short protein forms R427C, R400C.
Identifiers: ClinVar variation 4158196 (VCV004158196.2).
Genomic context (GRCh38, chr21:34,792,299, plus strand): 5'-GGAGGCTGGGGTTGAGCAGCGCGGAGCCGGTGGAGGCGTTGGTGCAGGGCGGCAGGATGC[G>A]CGGCGGCGAGCGCTCGCCGCCCACCATGGAGAACTGGTAGGAGCCGGCCGAGGCGCCGTA-3'
Protein context (NP_001745.2, residues 417-437): SMVGGERSPP[Arg427Cys]ILPPCTNAST